The following is an entry in ClinVar:

ClinVar aggregate classification (germline): Benign (1 of 4 stars; one submission).

Conditions:
Immunodeficiency 27A (IMD27A). Also called: IMMUNODEFICIENCY 27A, MYCOBACTERIOSIS, AUTOSOMAL RECESSIVE; IFNGR1 DEFICIENCY, AUTOSOMAL RECESSIVE. Identifiers: Orphanet 319569, Orphanet 99898, MedGen C4011949, MONDO:0008856, OMIM 209950.

Allele frequency attached by ClinVar (database versions not stated): TOPMed 0.00770; gnomAD 0.00826 and 0.00872; ESP Exome Variant Server 0.00846; 1000 Genomes Project 30x 0.00968; gnomAD exomes 0.01003 and 0.01253; 1000 Genomes Project 0.01038; ExAC 0.01285.

Submissions (5):

Illumina Laboratory Services, Illumina
Classification: Benign for Immunodeficiency 27A. Last evaluated: 2018-01-13. Review status: criteria provided, single submitter. Criteria: ICSL Variant Classification Criteria 13 December 2019. Collection method: clinical testing. Allele origin: germline.
Comment: This variant was observed in the ICSL laboratory as part of a predisposition screen in an ostensibly healthy population. It had not been previously curated by ICSL or reported in the Human Gene Mutation Database (HGMD: prior to June 1st, 2018), and was therefore a candidate for classification through an automated scoring system. Utilizing variant allele frequency, disease prevalence and penetrance estimates, and inheritance mode, an automated score was calculated to assess if this variant is too frequent to cause the disease. Based on the score and internal cut-off values, a variant classified as benign is not then subjected to further curation. The score for this variant resulted in a classification of benign for this disease.

Dr. Peter K. Rogan Lab, Western University
No classification provided (evidence only). Condition: Thyroid cancer, nonmedullary, 1. Review status: no classification provided. Collection method: in vitro. Allele origin: not applicable. Functional consequence: retained intron. Not counted in ClinVar's aggregate classification.

Dr. Peter K. Rogan Lab, Western University
No classification provided (evidence only). Condition: Cervical cancer. Review status: no classification provided. Collection method: in vitro. Allele origin: not applicable. Functional consequence: retained intron. Not counted in ClinVar's aggregate classification.

Dr. Peter K. Rogan Lab, Western University
No classification provided (evidence only). Condition: Nonpapillary renal cell carcinoma. Review status: no classification provided. Collection method: in vitro. Allele origin: not applicable. Functional consequence: retained intron. Not counted in ClinVar's aggregate classification.

Dr. Peter K. Rogan Lab, Western University
No classification provided (evidence only). Condition: Malignant tumor of esophagus. Review status: no classification provided. Collection method: in vitro. Allele origin: not applicable. Functional consequence: retained intron. Not counted in ClinVar's aggregate classification.

NM_000416.3(IFNGR1):c.*41G>A

Gene: IFNGR1 (interferon gamma receptor 1; minus strand). Cytogenetic location: 6q23.3.
Variant type: single nucleotide variant.
Coding change: c.*41G>A on transcript NM_000416.3 (MANE Select); 41 bases downstream of the stop codon, G replaced by A.
Molecular consequence: 3 prime UTR variant.
Genome position (GRCh38, 1-based): chr6:137,197,990, C>T on the plus strand (G>A on the coding strand, the complement: IFNGR1 is on the minus strand). VCF-style: chr6-137197990-C-T. GRCh37 (hg19) VCF-style: chr6-137519127-C-T.
Other names: NC_000006.11:g.137519127C>T; c.*41G>A (NM_001363526.1, NM_001363527.1).
Identifiers: ClinVar variation 907652 (VCV000907652.5), dbSNP rs17181562, ClinGen allele CA4018735.